The following is an entry in ClinVar:

ClinVar aggregate classification (germline): Conflicting classifications of pathogenicity. Review status: criteria provided, conflicting classifications (1 of 4 stars). 6 submissions from 6 submitters: Uncertain significance (3); Likely benign (3). Last evaluated 2025-12-22.

Conditions:
Neutral lipid storage myopathy (NLSDM). Also called: NEUTRAL LIPID STORAGE DISEASE WITHOUT ICHTHYOSIS. Identifiers: Orphanet 98908, MedGen C1853136, MONDO:0012545, OMIM 610717.

Allele frequency attached by ClinVar (database versions not stated): 1000 Genomes Project 30x 0.00016; 1000 Genomes Project 0.00020; gnomAD 0.00029 and 0.00031; TOPMed 0.00032; gnomAD exomes 0.00041 and 0.00062; ExAC 0.00067; ESP Exome Variant Server 0.00069.
gnomAD v4.1: 967 of 1,609,606 alleles (0.06%); highest among the groups gnomAD compares: South Asian, 0.092%; 1 homozygote.

Submissions (6):

Labcorp Genetics (formerly Invitae), Labcorp
Classification: Likely benign for Neutral lipid storage myopathy. Last evaluated: 2025-12-22. Review status: criteria provided, single submitter. Criteria: Invitae Variant Classification Sherloc (09022015). Collection method: clinical testing. Allele origin: germline.

Blueprint Genetics
Classification: Uncertain significance. Last evaluated: 2024-11-14. Review status: criteria provided, single submitter. Criteria: ACMG Guidelines, 2015. Collection method: clinical testing. Allele origin: germline.

GeneDx
Classification: Uncertain significance. Last evaluated: 2024-09-04. Review status: criteria provided, single submitter. Criteria: GeneDx Variant Classification Process June 2021. Collection method: clinical testing. Allele origin: germline. Affected: yes.
Comment: In silico analysis indicates that this missense variant does not alter protein structure/function; Has not been previously published as pathogenic or benign to our knowledge

Revvity Omics, Revvity
Classification: Likely benign for Neutral lipid storage myopathy. Last evaluated: 2024-06-26. Review status: criteria provided, single submitter. Criteria: ACMG Guidelines, 2015. Collection method: clinical testing. Allele origin: germline.

CeGaT Center for Human Genetics Tuebingen
Classification: Uncertain significance. Last evaluated: 2022-10-01. Review status: criteria provided, single submitter. Criteria: CeGaT Center For Human Genetics Tuebingen Variant Classification Criteria Version 2. Collection method: clinical testing. Allele origin: germline. Affected: yes. Observed: 1 variant allele.

PreventionGenetics, part of Exact Sciences
Classification: Likely benign. Review status: criteria provided, single submitter. Criteria: ACMG Guidelines, 2015. Collection method: clinical testing. Allele origin: germline.

NM_020376.4(PNPLA2):c.943C>T (p.Pro315Ser)

Gene: PNPLA2 (patatin like domain 2, triacylglycerol lipase; plus strand). Cytogenetic location: 11p15.5.
Variant type: single nucleotide variant.
Coding change: c.943C>T on transcript NM_020376.4 (MANE Select); coding-DNA position 943, C replaced by T.
Protein change: p.Pro315Ser; replaces proline 315 with serine.
Molecular consequence: missense variant.
Genome position (GRCh38, 1-based): chr11:824,021, C>T. VCF-style: chr11-824021-C-T. GRCh37 (hg19) VCF-style: chr11-824021-C-T.
Other names: short protein forms P315S.
Identifiers: ClinVar variation 261250 (VCV000261250.38), dbSNP rs150385364, ClinGen allele CA5791255.